The following is an entry in ClinVar:

ClinVar aggregate classification (germline): Uncertain significance. Review status: criteria provided, multiple submitters, no conflicts (2 of 4 stars). 3 submissions from 3 submitters: Uncertain significance (2). 1 of the submissions does not count toward it. Last evaluated 2024-08-19.

Conditions:
Hereditary cancer-predisposing syndrome. Also called: Neoplastic Syndromes, Hereditary; Hereditary neoplastic syndrome; Tumor predisposition; Hereditary Cancer Syndrome. Identifiers: Orphanet 140162, MedGen C0027672, MeSH D009386, MONDO:0015356.
Microcephaly, normal intelligence and immunodeficiency (NBS). Also called: Ataxia telangiectasia variant V1; Nijmegen breakage syndrome; Immunodeficiency, microcephaly with normal intelligence; IMMUNODEFICIENCY, MICROCEPHALY, AND CHROMOSOMAL INSTABILITY; SEEMANOVA SYNDROME II; BERLIN BREAKAGE SYNDROME. Identifiers: Orphanet 647, MedGen C0398791, MONDO:0009623, OMIM 251260.

Submissions (3):

Ambry Genetics
Classification: Uncertain significance for Hereditary cancer-predisposing syndrome. Last evaluated: 2024-08-19. Review status: criteria provided, single submitter. Criteria: Ambry Variant Classification Scheme 2023. Collection method: clinical testing. Allele origin: germline.
Comment: The p.C478R variant (also known as c.1432T>C), located in coding exon 11 of the NBN gene, results from a T to C substitution at nucleotide position 1432. The cysteine at codon 478 is replaced by arginine, an amino acid with highly dissimilar properties. This amino acid position is poorly conserved in available vertebrate species. In addition, this alteration is predicted to be tolerated by in silico analysis. Since supporting evidence is limited at this time, the clinical significance of this alteration remains unclear.

Labcorp Genetics (formerly Invitae), Labcorp
Classification: Uncertain significance for Microcephaly, normal intelligence and immunodeficiency. Last evaluated: 2019-01-17. Review status: criteria provided, single submitter. Criteria: Invitae Variant Classification Sherloc (09022015). Collection method: clinical testing. Allele origin: germline.
Comment: In summary, the available evidence is currently insufficient to determine the role of this variant in disease. Therefore, it has been classified as a Variant of Uncertain Significance. Algorithms developed to predict the effect of missense changes on protein structure and function are either unavailable or do not agree on the potential impact of this missense change (SIFT: "Deleterious"; PolyPhen-2: "Benign"; Align-GVGD: "Class C0"). This variant has not been reported in the literature in individuals with NBN-related conditions. This variant is not present in population databases (ExAC no frequency). This sequence change replaces cysteine with arginine at codon 478 of the NBN protein (p.Cys478Arg). The cysteine residue is weakly conserved and there is a large physicochemical difference between cysteine and arginine.

Natera, Inc.
Classification: Uncertain significance for Nijmegen breakage syndrome. Last evaluated: 2021-08-16. Review status: no assertion criteria provided. Collection method: clinical testing. Allele origin: germline. Not counted in ClinVar's aggregate classification.

NM_002485.5(NBN):c.1432T>C (p.Cys478Arg)

Gene: NBN (nibrin; minus strand). Cytogenetic location: 8q21.3.
Variant type: single nucleotide variant.
Coding change: c.1432T>C on transcript NM_002485.5 (MANE Select); coding-DNA position 1432, T replaced by C.
Protein change: p.Cys478Arg; replaces cysteine 478 with arginine.
Molecular consequence: missense variant.
Genome position (GRCh38, 1-based): chr8:89,953,657, A>G on the plus strand (T>C on the coding strand, the complement: NBN is on the minus strand). VCF-style: chr8-89953657-A-G. GRCh37 (hg19) VCF-style: chr8-90965885-A-G.
Other names: c.1186T>C, p.Cys396Arg (NM_001024688.3); short protein forms C478R, C396R.
Identifiers: ClinVar variation 838202 (VCV000838202.17), dbSNP rs1199013619, ClinGen allele CA371655862.
Genomic context (GRCh38, chr8:89,953,657, plus strand): 5'-GTGTAGCAGGTTGTGTTTGTTCTAAAAGAGAACAAGACGTTTCTATTCTTGCTGATTTGC[A>G]TGAAGACATTTCTTGATTTTCTTCATCCCTTTCCCTTAGATTTAAAAAAAAAGAAGAAAA-3'
Protein context (NP_002476.2, residues 468-488): RDEENQEMSS[Cys478Arg]KSARIETSCS